The following is an entry in ClinVar:

NM_000203.5(IDUA):c.617C>A (p.Ser206Ter)

Gene: IDUA (alpha-L-iduronidase; plus strand). Cytogenetic location: 4p16.3.
Variant type: single nucleotide variant.
Coding change: c.617C>A on transcript NM_000203.5 (MANE Select); coding-DNA position 617, C replaced by A.
Protein change: p.Ser206Ter; replaces serine 206 with a stop codon.
Molecular consequence: nonsense. On other transcripts: non-coding transcript variant (1).
Genome position (GRCh38, 1-based): chr4:1,001,706, C>A. VCF-style: chr4-1001706-C-A. GRCh37 (hg19) VCF-style: chr4-995494-C-A.
Other names: c.221C>A, p.Ser74Ter (NM_001363576.1); short protein forms S206*, S74*.
Identifiers: ClinVar variation 1724627 (VCV001724627.2), dbSNP rs756131787, ClinGen allele CA355961935.
Genomic context (GRCh38, chr4:1,001,706, plus strand): 5'-GGCAGGTGTAGACGCAGTGCTCCCCCGGCCCAGGCTTCCTGAACTACTACGATGCCTGCT[C>A]GGAGGGTCTGCGCGCCGCCAGCCCCGCCCTGCGGCTGGGAGGCCCCGGCGACTCCTTCCA-3'

ClinVar aggregate classification (germline): Likely pathogenic (1 of 4 stars; one submission).

Conditions:
Mucopolysaccharidosis, MPS-I-H/S. Also called: Mucopolysaccharidosis type IH/S. Identifiers: Orphanet 93476, MedGen C0086431, MONDO:0011759, OMIM 607015.

Submission:

Myriad Genetics, Inc.
Classification: Likely pathogenic for Mucopolysaccharidosis, MPS-I-H/S. Last evaluated: 2022-02-22. Review status: criteria provided, single submitter. Criteria: Myriad Women's Health Autosomal Recessive and X-Linked Classification Criteria (2021). Collection method: clinical testing. Allele origin: unknown.
Comment: NM_000203.3(IDUA):c.617C>A(S206*) is expected to be pathogenic in the context of mucopolysaccharidosis type I. This variant is predicted to lead to an abnormal or absent protein product due to the creation of a premature termination codon in IDUA, a gene where loss-of-function variants are known to be pathogenic. Please note: this variant was assessed in the context of healthy population screening.